The following is an entry in ClinVar:

ClinVar aggregate classification (germline): Conflicting classifications of pathogenicity. Review status: criteria provided, conflicting classifications (1 of 4 stars). 3 submissions from 3 submitters: Uncertain significance (2); Benign (1). Last evaluated 2025-07-31.

Conditions:
Hereditary cancer-predisposing syndrome. Also called: Neoplastic Syndromes, Hereditary; Hereditary neoplastic syndrome; Hereditary Cancer Syndrome; Tumor predisposition. Identifiers: Orphanet 140162, MedGen C0027672, MeSH D009386, MONDO:0015356.
Isolated focal cortical dysplasia type II (FCORD2). Also called: Focal cortical dysplasia type II; CORTICAL DYSPLASIA OF TAYLOR. Identifiers: Orphanet 268994, MedGen C1846385, MONDO:0011818, OMIM 607341, HP:0032051.
Tuberous sclerosis 2 (TSC2). Identifiers: Orphanet 805, MedGen C1860707, MONDO:0013199, OMIM 613254.

Allele frequency attached by ClinVar (database versions not stated): ExAC 0.00001.
gnomAD v4.1: 1 of 1,613,254 alleles (0.000062%); highest among the groups gnomAD compares: African/African-American, 0.0013%; no homozygotes.

Submissions (3):

Labcorp Genetics (formerly Invitae), Labcorp
Classification: Benign for Tuberous sclerosis 2. Last evaluated: 2025-07-31. Review status: criteria provided, single submitter. Criteria: Invitae Variant Classification Sherloc (09022015). Collection method: clinical testing. Allele origin: germline.

Ambry Genetics
Classification: Uncertain significance for Hereditary cancer-predisposing syndrome. Last evaluated: 2025-07-18. Review status: criteria provided, single submitter. Criteria: Ambry Variant Classification Scheme 2023. Collection method: clinical testing. Allele origin: germline.
Comment: The p.D1512H variant (also known as c.4534G>C), located in coding exon 34 of the TSC2 gene, results from a G to C substitution at nucleotide position 4534. The aspartic acid at codon 1512 is replaced by histidine, an amino acid with similar properties. This amino acid position is not well conserved in available vertebrate species. In addition, this alteration is predicted to be deleterious by in silico analysis. Based on the available evidence, the clinical significance of this variant remains unclear.

Baylor Genetics
Classification: Uncertain significance for Isolated focal cortical dysplasia type II. Last evaluated: 2023-11-03. Review status: criteria provided, single submitter. Criteria: ACMG Guidelines, 2015. Collection method: clinical testing. Allele origin: unknown.

NM_000548.5(TSC2):c.4534G>C (p.Asp1512His)

Gene: TSC2 (TSC complex subunit 2; plus strand). Cytogenetic location: 16p13.3.
Variant type: single nucleotide variant.
Coding change: c.4534G>C on transcript NM_000548.5 (MANE Select); coding-DNA position 4534, G replaced by C.
Protein change: p.Asp1512His; replaces aspartic acid 1512 with histidine.
Molecular consequence: missense variant.
Genome position (GRCh38, 1-based): chr16:2,084,991, G>C. VCF-style: chr16-2084991-G-C. GRCh37 (hg19) VCF-style: chr16-2134992-G-C.
Other names: c.4333G>C, p.Asp1445His (NM_001077183.3); c.4465G>C, p.Asp1489His (NM_001114382.3); c.4225G>C, p.Asp1409His (NM_001318827.2); c.4189G>C, p.Asp1397His (NM_001318829.2); c.3802G>C, p.Asp1268His (NM_001318831.2); c.4366G>C, p.Asp1456His (NM_001318832.2); c.4336G>C, p.Asp1446His (NM_001363528.2); c.4402G>C, p.Asp1468His (NM_001370404.1); and 1 more; short protein forms D1268H, D1445H, D1409H, D1468H, D1469H, D1489H, D1397H, D1446H.
Identifiers: ClinVar variation 942670 (VCV000942670.13), dbSNP rs774441486, ClinGen allele CA051534.